The following is an entry in ClinVar:

ClinVar aggregate classification (germline): Likely pathogenic (1 of 4 stars; one submission).

Conditions:
Dilated cardiomyopathy 1J (CMD1J). Also called: CARDIOMYOPATHY, DILATED, WITH SENSORINEURAL HEARING LOSS, AUTOSOMAL DOMINANT. Identifiers: Orphanet 217622, MedGen C1854368, MONDO:0011541, OMIM 605362.

Submission:

Labcorp Genetics (formerly Invitae), Labcorp
Classification: Likely pathogenic for Dilated cardiomyopathy 1J. Last evaluated: 2023-10-17. Review status: criteria provided, single submitter. Criteria: Invitae Variant Classification Sherloc (09022015). Collection method: clinical testing. Allele origin: unknown.
Comment: This variant results in the deletion of exon 10 and part of exon 9 (c.724_805-957del) of the EYA4 gene. It is expected to disrupt RNA splicing. Variants that disrupt the donor or acceptor splice site typically lead to a loss of protein function (PMID: 16199547), and loss-of-function variants in EYA4 are known to be pathogenic (PMID: 11159937, 25781927, 25963406). This variant has not been reported in the literature in individuals affected with EYA4-related conditions. ClinVar contains an entry for this variant (Variation ID: 6238). In summary, the currently available evidence indicates that the variant is pathogenic, but additional data are needed to prove that conclusively. Therefore, this variant has been classified as Likely Pathogenic.

Literature cited by the submitters: PubMed 16199547; PubMed 11159937; PubMed 25781927; PubMed 25963406.

NC_000006.11:g.(?_133783902)_(133788747_?)del

Gene: EYA4 (EYA transcriptional coactivator and phosphatase 4; plus strand). Cytogenetic location: 6q23.2.
Variant type: Deletion.
Identifiers: ClinVar variation 3246005 (VCV003246005.1).